The following is an entry in ClinVar:

NM_005130.5(FGFBP1):c.5_7del (p.Lys2del)

Gene: FGFBP1 (fibroblast growth factor binding protein 1; minus strand). Cytogenetic location: 4p15.32.
Variant type: Deletion.
Coding change: c.5_7del on transcript NM_005130.5 (MANE Select); coding-DNA positions 5 to 7, 3 bases deleted (AGA; older notation c.5_7delAGA).
Protein change: p.Lys2del; deletes lysine 2.
Molecular consequence: inframe deletion, initiator codon variant.
Genome position (GRCh38, 1-based): chr4:15,936,626-15,936,628, TCT deleted on the plus strand (AGA on the coding strand, the reverse complement: FGFBP1 is on the minus strand); deleting any 3 consecutive bases within chr4:15,936,626-15,936,630 gives the same sequence; the c. name uses the placement nearest the transcript's 3' end. VCF-style (leftmost placement, unchanged base first): chr4-15936625-ATCT-A. GRCh37 (hg19) VCF-style: chr4-15938248-ATCT-A.
Other names: short protein forms K2del.
Identifiers: ClinVar variation 3067270 (VCV003067270.21), dbSNP rs774290039, ClinGen allele CA2866095.

ClinVar aggregate classification (germline): Likely benign (1 of 4 stars; one submission).

Submission:

CeGaT Center for Human Genetics Tuebingen
Classification: Likely benign. Last evaluated: 2024-03-01. Review status: criteria provided, single submitter. Criteria: CeGaT Center For Human Genetics Tuebingen Variant Classification Criteria Version 2. Collection method: clinical testing. Allele origin: germline. Affected: yes. Observed: 1 variant allele.
Comment: FGFBP1: PM4:Supporting, BS1